The following is an entry in ClinVar:

ClinVar aggregate classification (germline): Uncertain significance (1 of 4 stars; one submission).

Conditions:
Hereditary cancer-predisposing syndrome. Also called: Hereditary Cancer Syndrome; Hereditary neoplastic syndrome; Tumor predisposition; Neoplastic Syndromes, Hereditary. Identifiers: Orphanet 140162, MedGen C0027672, MeSH D009386, MONDO:0015356.

Allele frequency attached by ClinVar (database versions not stated): TOPMed below 0.00001.

Submission:

Ambry Genetics
Classification: Uncertain significance for Hereditary cancer-predisposing syndrome. Last evaluated: 2022-12-12. Review status: criteria provided, single submitter. Criteria: Ambry Variant Classification Scheme 2023. Collection method: clinical testing. Allele origin: germline.
Comment: The p.T367K variant (also known as c.1100C>A), located in coding exon 11 of the FANCC gene, results from a C to A substitution at nucleotide position 1100. The threonine at codon 367 is replaced by lysine, an amino acid with similar properties. This amino acid position is poorly conserved in available vertebrate species. In addition, this alteration is predicted to be tolerated by in silico analysis. Since supporting evidence is limited at this time, the clinical significance of this alteration remains unclear.

NM_000136.3(FANCC):c.1100C>A (p.Thr367Lys)

Genes: FANCC (FA complementation group C; minus strand), AOPEP (aminopeptidase O (putative); plus strand). Cytogenetic location: 9q22.32.
Variant type: single nucleotide variant.
Coding change: c.1100C>A on transcript NM_000136.3 (MANE Select); coding-DNA position 1100, C replaced by A.
Protein change: p.Thr367Lys; replaces threonine 367 with lysine.
Molecular consequence: missense variant.
Genome position (GRCh38, 1-based): chr9:95,114,683, G>T on the plus strand (C>A on the coding strand, the complement: FANCC is on the minus strand). VCF-style: chr9-95114683-G-T. GRCh37 (hg19) VCF-style: chr9-97876965-G-T.
Other names: c.1100C>A, p.Thr367Lys (NM_001243743.2, NM_001243744.2); short protein forms T367K.
Identifiers: ClinVar variation 1792277 (VCV001792277.3), dbSNP rs2072243999, ClinGen allele CA374108019.
Genomic context (GRCh38, chr9:95,114,683, plus strand): 5'-GCTCACCCATGAGTCTGGTCTTCAACTGCTTCTCTGAGCAGTTCAGAAATATGCTTCAGT[G>T]TCTGGAGCCAGTGTCCCCGAGGGATATCTGCGGGTGGAGAGAGATACGTCAGAGGGCAAC-3'
Protein context (NP_000127.2, residues 357-377): QDIPRGHWLQ[Thr367Lys]LKHISELLRE